The following is an entry in ClinVar:

NM_001130987.2(DYSF):c.3148A>G (p.Lys1050Glu)

Gene: DYSF (dysferlin; plus strand). Cytogenetic location: 2p13.2.
Variant type: single nucleotide variant.
Coding change: c.3148A>G on transcript NM_001130987.2 (MANE Select); coding-DNA position 3148, A replaced by G.
Protein change: p.Lys1050Glu; replaces lysine 1050 with glutamic acid.
Molecular consequence: missense variant.
Genome position (GRCh38, 1-based): chr2:71,570,661, A>G. VCF-style: chr2-71570661-A-G. GRCh37 (hg19) VCF-style: chr2-71797791-A-G.
Other names: c.3097A>G, p.Lys1033Glu (NM_001130455.2, NM_001130983.2); c.3052A>G, p.Lys1018Glu (NM_001130976.2, NM_001130977.2); c.3094A>G, p.Lys1032Glu (NM_001130978.2, NM_003494.4); c.3187A>G, p.Lys1063Glu (NM_001130979.2); c.3145A>G, p.Lys1049Glu (NM_001130980.2, NM_001130981.2); c.3190A>G, p.Lys1064Glu (NM_001130982.2); c.3055A>G, p.Lys1019Glu (NM_001130984.2, NM_001130986.2); c.3148A>G, p.Lys1050Glu (NM_001130985.2); short protein forms K1018E, K1019E, K1049E, K1032E, K1063E, K1064E, K1033E, K1050E.
Identifiers: ClinVar variation 837176 (VCV000837176.8), dbSNP rs2092366383, ClinGen allele CA347217018.
Genomic context (GRCh38, chr2:71,570,661, plus strand): 5'-TGGGAGTATAGCATCACCATCCCCCCGGAGCGGAAGCCGAAGCACTGGGTCCCTGCTGAG[A>G]AGATGTACTACACACACCGACGGCGGCGCTGGGTGCGCCTGCGCAGGAGGGATCTCAGCC-3'
Protein context (NP_001124459.1, residues 1040-1060): RKPKHWVPAE[Lys1050Glu]MYYTHRRRRW

ClinVar aggregate classification (germline): Likely pathogenic (1 of 4 stars; one submission).

Conditions:
Neuromuscular disease caused by qualitative or quantitative defects of dysferlin. Also called: Dysferlinopathy; Qualitative or quantitative defects of dysferlin. Identifiers: Orphanet 207073, MedGen C2931687, MONDO:0016145.

Submission:

Labcorp Genetics (formerly Invitae), Labcorp
Classification: Likely pathogenic for Neuromuscular disease caused by qualitative or quantitative defects of dysferlin. Last evaluated: 2022-11-29. Review status: criteria provided, single submitter. Criteria: Invitae Variant Classification Sherloc (09022015). Collection method: clinical testing. Allele origin: germline.
Comment: In summary, the currently available evidence indicates that the variant is pathogenic, but additional data are needed to prove that conclusively. Therefore, this variant has been classified as Likely Pathogenic. Advanced modeling of protein sequence and biophysical properties (such as structural, functional, and spatial information, amino acid conservation, physicochemical variation, residue mobility, and thermodynamic stability) performed at Invitae indicates that this missense variant is expected to disrupt DYSF protein function. ClinVar contains an entry for this variant (Variation ID: 837176). This missense change has been observed in individual(s) with DYSF-related conditions (PMID: 25591676). This variant is not present in population databases (gnomAD no frequency). This sequence change replaces lysine, which is basic and polar, with glutamic acid, which is acidic and polar, at codon 1032 of the DYSF protein (p.Lys1032Glu).

Literature cited by the submitters: PubMed 25591676.